The following is an entry in ClinVar:

NM_000751.3(CHRND):c.398T>A (p.Val133Asp)

Gene: CHRND (cholinergic receptor nicotinic delta subunit; plus strand). Cytogenetic location: 2q37.1.
Variant type: single nucleotide variant.
Coding change: c.398T>A on transcript NM_000751.3 (MANE Select); coding-DNA position 398, T replaced by A.
Protein change: p.Val133Asp; replaces valine 133 with aspartic acid.
Molecular consequence: missense variant.
Genome position (GRCh38, 1-based): chr2:232,528,545, T>A. VCF-style: chr2-232528545-T-A. GRCh37 (hg19) VCF-style: chr2-233393255-T-A.
Other names: c.353T>A, p.Val118Asp (NM_001256657.2); c.127T>A, p.Ser43Thr (NM_001311195.2); c.95T>A, p.Val32Asp (NM_001311196.2); short protein forms V133D, V32D, V118D, S43T.
Identifiers: ClinVar variation 3678190 (VCV003678190.2).

ClinVar aggregate classification (germline): Uncertain significance (1 of 4 stars; one submission).

Conditions:
Lethal multiple pterygium syndrome (LMPS). Identifiers: Orphanet 33108, MedGen C1854678, MONDO:0009668, OMIM 253290.

gnomAD v4.1: 1 of 1,614,138 alleles (0.000062%); highest among the groups gnomAD compares: Admixed American, 0.0017%; no homozygotes.

Submission:

Labcorp Genetics (formerly Invitae), Labcorp
Classification: Uncertain significance for Lethal multiple pterygium syndrome. Last evaluated: 2024-01-31. Review status: criteria provided, single submitter. Criteria: Invitae Variant Classification Sherloc (09022015). Collection method: clinical testing. Allele origin: germline.
Comment: This sequence change replaces valine, which is neutral and non-polar, with aspartic acid, which is acidic and polar, at codon 133 of the CHRND protein (p.Val133Asp). This variant is present in population databases (no rsID available, gnomAD 0.003%). This variant has not been reported in the literature in individuals affected with CHRND-related conditions. Advanced modeling of protein sequence and biophysical properties (such as structural, functional, and spatial information, amino acid conservation, physicochemical variation, residue mobility, and thermodynamic stability) performed at Invitae indicates that this missense variant is expected to disrupt CHRND protein function with a positive predictive value of 80%. In summary, the available evidence is currently insufficient to determine the role of this variant in disease. Therefore, it has been classified as a Variant of Uncertain Significance.